The following is an entry in ClinVar:

ClinVar aggregate classification (germline): Uncertain significance (1 of 4 stars; one submission).

Submission:

Ambry Genetics
Classification: Uncertain significance. Last evaluated: 2025-06-12. Review status: criteria provided, single submitter. Criteria: Ambry Variant Classification Scheme 2023. Collection method: clinical testing. Allele origin: germline.
Comment: The p.Q803P variant (also known as c.2408A>C), located in coding exon 1 of the TET2 gene, results from an A to C substitution at nucleotide position 2408. The glutamine at codon 803 is replaced by proline, an amino acid with similar properties. This amino acid position is conserved. In addition, this alteration is predicted to be tolerated by in silico analysis. Based on the available evidence, the clinical significance of this variant remains unclear.

NM_001127208.3(TET2):c.2408A>C (p.Gln803Pro)

Genes: TET2 (tet methylcytosine dioxygenase 2; plus strand), TET2-AS1 (TET2 antisense RNA 1; minus strand). Cytogenetic location: 4q24.
Variant type: single nucleotide variant.
Coding change: c.2408A>C on transcript NM_001127208.3 (MANE Select); coding-DNA position 2408, A replaced by C.
Protein change: p.Gln803Pro; replaces glutamine 803 with proline.
Molecular consequence: missense variant.
Genome position (GRCh38, 1-based): chr4:105,236,350, A>C. VCF-style: chr4-105236350-A-C. GRCh37 (hg19) VCF-style: chr4-106157507-A-C.
Other names: c.2408A>C, p.Gln803Pro (NM_017628.4); short protein forms Q803P.
Identifiers: ClinVar variation 3967710 (VCV003967710.1).
Genomic context (GRCh38, chr4:105,236,350, plus strand): 5'-AATGTTTTCATGGTGAAAATCAGTATTCAAAATCAAGCGAGTTCGAGACTCATAATGTCC[A>C]AATGGGACTGGAGGAAGTACAGAATATAAATCGTAGAAATTCCCCTTATAGTCAGACCAT-3'
Protein context (NP_001120680.1, residues 793-813): KSSEFETHNV[Gln803Pro]MGLEEVQNIN